The following is an entry in ClinVar:

NM_004168.4(SDHA):c.1254G>A (p.Lys418=)

Gene: SDHA (succinate dehydrogenase complex flavoprotein subunit A; plus strand). Cytogenetic location: 5p15.33.
Variant type: single nucleotide variant.
Coding change: c.1254G>A on transcript NM_004168.4 (MANE Select); coding-DNA position 1254, G replaced by A.
Protein change: p.Lys418=; no amino-acid change (lysine 418 retained).
Molecular consequence: synonymous variant.
Genome position (GRCh38, 1-based): chr5:235,333, G>A. VCF-style: chr5-235333-G-A. GRCh37 (hg19) VCF-style: chr5-235448-G-A.
Other names: c.1110G>A, p.Lys370= (NM_001294332.2); c.1254G>A, p.Lys418= (NM_001330758.2).
Identifiers: ClinVar variation 3904447 (VCV003904447.1).

ClinVar aggregate classification (germline): Benign (1 of 4 stars; one submission).

Conditions:
Pheochromocytoma/paraganglioma syndrome 5. Also called: Paragangliomas 5; SDHA-Related Hereditary Paraganglioma-Pheochromocytoma Syndrome. Identifiers: Orphanet 29072, MedGen C3279992, MONDO:0013602, OMIM 614165.

gnomAD v4.1: 2 of 1,614,214 alleles (0.00012%); highest among the groups gnomAD compares: Non-Finnish European, 0.00017%; no homozygotes.

Submission:

Myriad Genetics, Inc.
Classification: Benign for Pheochromocytoma/paraganglioma syndrome 5. Last evaluated: 2025-03-10. Review status: criteria provided, single submitter. Criteria: Myriad Autosomal Dominant, Autosomal Recessive and X-Linked Classification Criteria (2023). Collection method: clinical testing. Allele origin: unknown.
Comment: This variant is considered benign. This variant is a silent/synonymous amino acid change and it is not expected to impact splicing.